The following is an entry in ClinVar:

NM_000038.6(APC):c.3599G>A (p.Ser1200Asn)

Gene: APC (APC regulator of Wnt signaling pathway; plus strand). Cytogenetic location: 5q22.2.
Variant type: single nucleotide variant.
Coding change: c.3599G>A on transcript NM_000038.6 (MANE Select); coding-DNA position 3599, G replaced by A.
Protein change: p.Ser1200Asn; replaces serine 1200 with asparagine.
Molecular consequence: missense variant.
Genome position (GRCh38, 1-based): chr5:112,839,193, G>A. VCF-style: chr5-112839193-G-A. GRCh37 (hg19) VCF-style: chr5-112174890-G-A.
Other names: c.3599G>A, p.Ser1200Asn (NM_001127510.3, NM_001354895.2, NM_001407450.1); c.3545G>A, p.Ser1182Asn (NM_001127511.3); c.3653G>A, p.Ser1218Asn (NM_001354896.2, NM_001407447.1, NM_001407448.1 and 1 more transcripts); c.3629G>A, p.Ser1210Asn (NM_001354897.2); c.3524G>A, p.Ser1175Asn (NM_001354898.2); c.3515G>A, p.Ser1172Asn (NM_001354899.2); c.3476G>A, p.Ser1159Asn (NM_001354900.2); c.3422G>A, p.Ser1141Asn (NM_001354901.2, NM_001407453.1); and 11 more; short protein forms S1040N, S1071N, S1109N, S1193N, S1210N, S1074N, S1099N, S1117N.
Identifiers: ClinVar variation 2163414 (VCV002163414.4), dbSNP rs1423401618, ClinGen allele CA16029239.

ClinVar aggregate classification (germline): Uncertain significance (1 of 4 stars; one submission).

Conditions:
Familial adenomatous polyposis 1 (FAP1). Also called: POLYPOSIS, ADENOMATOUS INTESTINAL; FAMILIAL ADENOMATOUS POLYPOSIS 1, ATTENUATED. Identifiers: MedGen C2713442, MONDO:0021056, OMIM 175100. Disease mechanism: loss of function.

Allele frequency attached by ClinVar (database versions not stated): gnomAD exomes below 0.00001.
gnomAD v4.1: 1 of 1,614,116 alleles (0.000062%); highest among the groups gnomAD compares: South Asian, 0.0011%; no homozygotes.

Submission:

Labcorp Genetics (formerly Invitae), Labcorp
Classification: Uncertain significance for Familial adenomatous polyposis 1. Last evaluated: 2021-12-27. Review status: criteria provided, single submitter. Criteria: Invitae Variant Classification Sherloc (09022015). Collection method: clinical testing. Allele origin: germline.
Comment: In summary, the available evidence is currently insufficient to determine the role of this variant in disease. Therefore, it has been classified as a Variant of Uncertain Significance. Algorithms developed to predict the effect of missense changes on protein structure and function output the following: SIFT: "Tolerated"; PolyPhen-2: "Benign"; Align-GVGD: "Class C0". The asparagine amino acid residue is found in multiple mammalian species, which suggests that this missense change does not adversely affect protein function. This variant has not been reported in the literature in individuals affected with APC-related conditions. This variant is present in population databases (no rsID available, gnomAD 0.003%). This sequence change replaces serine, which is neutral and polar, with asparagine, which is neutral and polar, at codon 1200 of the APC protein (p.Ser1200Asn).